The following is an entry in ClinVar:

NM_001330691.3(CEP78):c.818C>T (p.Ala273Val)

Gene: CEP78 (centrosomal protein 78; plus strand). Cytogenetic location: 9q21.2.
Variant type: single nucleotide variant.
Coding change: c.818C>T on transcript NM_001330691.3 (MANE Select); coding-DNA position 818, C replaced by T.
Protein change: p.Ala273Val; replaces alanine 273 with valine.
Molecular consequence: missense variant.
Genome position (GRCh38, 1-based): chr9:78,246,708, C>T. VCF-style: chr9-78246708-C-T. GRCh37 (hg19) VCF-style: chr9-80861624-C-T.
Other names: c.818C>T, p.Ala273Val (NM_001098802.3, NM_001330693.3, NM_001330694.2 and 4 more transcripts); short protein forms A273V.
Identifiers: ClinVar variation 1040106 (VCV001040106.8), dbSNP rs1446772851, ClinGen allele CA373855709.

ClinVar aggregate classification (germline): Uncertain significance (1 of 4 stars; one submission).

Submission:

Labcorp Genetics (formerly Invitae), Labcorp
Classification: Uncertain significance. Last evaluated: 2022-01-06. Review status: criteria provided, single submitter. Criteria: Invitae Variant Classification Sherloc (09022015). Collection method: clinical testing. Allele origin: germline.
Comment: In summary, the available evidence is currently insufficient to determine the role of this variant in disease. Therefore, it has been classified as a Variant of Uncertain Significance. Algorithms developed to predict the effect of missense changes on protein structure and function are either unavailable or do not agree on the potential impact of this missense change (SIFT: "Deleterious"; PolyPhen-2: "Probably Damaging"; Align-GVGD: "Class C0"). ClinVar contains an entry for this variant (Variation ID: 1040106). This variant has not been reported in the literature in individuals affected with CEP78-related conditions. This variant is not present in population databases (gnomAD no frequency). This sequence change replaces alanine, which is neutral and non-polar, with valine, which is neutral and non-polar, at codon 273 of the CEP78 protein (p.Ala273Val).